The following is an entry in ClinVar:

ClinVar aggregate classification (germline): Uncertain significance (1 of 4 stars; one submission).

Submission:

GeneDx
Classification: Uncertain significance. Last evaluated: 2016-12-30. Review status: criteria provided, single submitter. Criteria: GeneDx Variant Classification (06012015). Collection method: clinical testing. Allele origin: germline. Affected: yes.
Comment: A variant of uncertain significance has been identified in the KCNJ10 gene. The c.-1+1 G>A variant has not been published as a pathogenic variant, nor has it been reported as a benign variant to our knowledge. No data are available from control populations to assess the frequency of this variant (Lek et al., 2016; 1000 Genomes Consortium et al., 2015; Exome Variant Server). In-silico splice prediction models predict that c.-1+1 G>A destroys the canonical splice donor site of intron 1. It is predicted to cause abnormal gene splicing of exon 1 that includes the 5' untranslated region (UTR) and the Kozak sequence which plays a role in the initiation of protein translation. However, in the absence of RNA/functional studies, the actual effect of this sequence change is unknown. Therefore, based on the currently available information, it is unclear whether this variant is a pathogenic variant or a rare benign variant.

NM_002241.5(KCNJ10):c.-1+1G>A

Gene: KCNJ10 (potassium inwardly rectifying channel subfamily J member 10; minus strand). Cytogenetic location: 1q23.2.
Variant type: single nucleotide variant.
Coding change: c.-1+1G>A on transcript NM_002241.5 (MANE Select); the canonical splice donor site of the intron after 1 bases upstream of the start codon, G replaced by A.
Molecular consequence: splice donor variant.
Genome position (GRCh38, 1-based): chr1:160,070,021, C>T on the plus strand (G>A on the coding strand, the complement: KCNJ10 is on the minus strand). VCF-style: chr1-160070021-C-T. GRCh37 (hg19) VCF-style: chr1-160039811-C-T.
Identifiers: ClinVar variation 391945 (VCV000391945.2), dbSNP rs796052606, ClinGen allele CA16603469.